The following is an entry in ClinVar:

NM_002439.5(MSH3):c.1910A>C (p.Glu637Ala)

Gene: MSH3 (mutS homolog 3; plus strand). Cytogenetic location: 5q14.1.
Variant type: single nucleotide variant.
Coding change: c.1910A>C on transcript NM_002439.5 (MANE Select); coding-DNA position 1910, A replaced by C.
Protein change: p.Glu637Ala; replaces glutamic acid 637 with alanine.
Molecular consequence: missense variant.
Genome position (GRCh38, 1-based): chr5:80,767,946, A>C. VCF-style: chr5-80767946-A-C. GRCh37 (hg19) VCF-style: chr5-80063765-A-C.
Other names: short protein forms E637A.
Identifiers: ClinVar variation 658270 (VCV000658270.25), dbSNP rs376488647, ClinGen allele CA3328098.

ClinVar aggregate classification (germline): Uncertain significance. Review status: criteria provided, multiple submitters, no conflicts (2 of 4 stars). 7 submissions from 7 submitters: Uncertain significance (7). Last evaluated 2026-01-26.

Conditions:
MSH3-related disorder. Also called: MSH3-related condition.
Hereditary cancer-predisposing syndrome. Also called: Tumor predisposition; Hereditary neoplastic syndrome; Hereditary Cancer Syndrome; Neoplastic Syndromes, Hereditary. Identifiers: Orphanet 140162, MedGen C0027672, MeSH D009386, MONDO:0015356.
Endometrial carcinoma. Also called: Endometrial carcinoma, somatic. Identifiers: MedGen C0476089, MONDO:0002447, OMIM 608089, HP:0012114.

Allele frequency attached by ClinVar (database versions not stated): gnomAD 0.00003; TOPMed 0.00003.
gnomAD v4.1: 133 of 1,609,760 alleles (0.0083%); highest among the groups gnomAD compares: Non-Finnish European, 0.011%; no homozygotes.

Submissions (7):

Labcorp Genetics (formerly Invitae), Labcorp
Classification: Uncertain significance. Last evaluated: 2026-01-26. Review status: criteria provided, single submitter. Criteria: Invitae Variant Classification Sherloc (09022015). Collection method: clinical testing. Allele origin: germline.
Comment: This sequence change replaces glutamic acid, which is acidic and polar, with alanine, which is neutral and non-polar, at codon 637 of the MSH3 protein (p.Glu637Ala). This variant is present in population databases (rs376488647, gnomAD 0.004%). This variant has not been reported in the literature in individuals affected with MSH3-related conditions. ClinVar contains an entry for this variant (Variation ID: 658270). An algorithm developed to predict the effect of missense changes on protein structure and function (PolyPhen-2) suggests that this variant is likely to be disruptive. In summary, the available evidence is currently insufficient to determine the role of this variant in disease. Therefore, it has been classified as a Variant of Uncertain Significance.

Quest Diagnostics Nichols Institute San Juan Capistrano
Classification: Uncertain significance. Last evaluated: 2025-09-18. Review status: criteria provided, single submitter. Criteria: Quest Diagnostics criteria. Collection method: clinical testing. Allele origin: unknown.
Comment: The MSH3 c.1910A>C (p.Glu637Ala) variant has not been reported in the germline of individuals affected with MSH3-related conditions in the published literature. However, it has been reported in an individual affected with ovarian cancer (PMID: 24448499 (2014)) and identified along with other variants in a colorectal tumor (PMID: 39659251 (2025)). The frequency of this variant in the general population (Genome Aggregation Database) is uninformative in the assessment of its pathogenicity. Analysis of this variant using bioinformatics tools for the prediction of the effect of amino acid changes on protein structure and function yielded predictions that this variant is damaging. Based on the available information, we are unable to determine the clinical significance of this variant.

Ambry Genetics
Classification: Uncertain significance for Hereditary cancer-predisposing syndrome. Last evaluated: 2025-03-12. Review status: criteria provided, single submitter. Criteria: Ambry Variant Classification Scheme 2023. Collection method: clinical testing. Allele origin: germline.
Comment: The p.E637A variant (also known as c.1910A>C), located in coding exon 14 of the MSH3 gene, results from an A to C substitution at nucleotide position 1910. The glutamic acid at codon 637 is replaced by alanine, an amino acid with dissimilar properties. This amino acid position is highly conserved in available vertebrate species. In addition, this alteration is predicted to be deleterious by in silico analysis. Based on the available evidence, the clinical significance of this variant remains unclear.

PreventionGenetics, part of Exact Sciences
Classification: Uncertain significance for MSH3-related condition. Last evaluated: 2025-03-12. Review status: criteria provided, single submitter. Criteria: ACMG Guidelines, 2015. Collection method: clinical testing. Allele origin: germline.
Comment: The MSH3 c.1910A>C variant is predicted to result in the amino acid substitution p.Glu637Ala. To our knowledge, this variant has not been reported in the literature. This variant is reported in 0.0054% of alleles in individuals of European (Non-Finnish) descent in gnomAD and has an interpretation of uncertain significance in ClinVar. At this time, the clinical significance of this variant is uncertain due to the absence of conclusive functional and genetic evidence.

GeneDx
Classification: Uncertain significance. Last evaluated: 2025-02-14. Review status: criteria provided, single submitter. Criteria: GeneDx Variant Classification Process June 2021. Collection method: clinical testing. Allele origin: germline. Affected: yes.
Comment: Not observed at significant frequency in large population cohorts (gnomAD); In silico analysis supports that this missense variant has a deleterious effect on protein structure/function; Has not been previously published as pathogenic or benign to our knowledge

Baylor Genetics
Classification: Uncertain significance for Endometrial carcinoma. Last evaluated: 2024-03-27. Review status: criteria provided, single submitter. Criteria: ACMG Guidelines, 2015. Collection method: clinical testing. Allele origin: unknown.

Sema4
Classification: Uncertain significance for Hereditary cancer-predisposing syndrome. Last evaluated: 2021-12-23. Review status: criteria provided, single submitter. Criteria: Sema4 Curation Guidelines. Collection method: curation. Allele origin: germline.
Comment: To the best of our knowledge, the MSH3 c.1910A>C (p.E637A) variant has not been reported in individuals with MSH3-related disease. This variant was observed in 7/128866 chromosomes in the European (non-Finnish) population, according to the Genome Aggregation Database (PMID: 32461654). This variant has been reported in ClinVar (Variation ID: 658270). In silico tools suggest the impact of the variant on protein function is deleterious, though these predictions have not been confirmed by functional studies. The evidence is insufficient to meet ACMG/AMP criteria for classifying the variant as benign or pathogenic. Thus, the clinical significance of this variant is currently uncertain.

Literature cited by the submitters: PubMed 24448499 (cited by Quest Diagnostics Nichols Institute San Juan Capistrano); PubMed 39659251 (cited by Quest Diagnostics Nichols Institute San Juan Capistrano).